The following is an entry in ClinVar:

ClinVar aggregate classification (germline): Benign (1 of 4 stars; one submission).

Allele frequency attached by ClinVar (database versions not stated): 1000 Genomes Project 30x 0.03014; 1000 Genomes Project 0.03095; TOPMed 0.05209; gnomAD 0.05899 and 0.06079.
gnomAD v4.1: 9,032 of 152,218 alleles (5.9%); highest among the groups gnomAD compares: Non-Finnish European, 8.2%; 387 homozygotes.

Submission:

GeneDx
Classification: Benign. Last evaluated: 2018-06-14. Review status: criteria provided, single submitter. Criteria: GeneDx Variant Classification (06012015). Collection method: clinical testing. Allele origin: germline. Affected: yes.
Comment: This variant is considered likely benign or benign based on one or more of the following criteria: it is a conservative change, it occurs at a poorly conserved position in the protein, it is predicted to be benign by multiple in silico algorithms, and/or has population frequency not consistent with disease.

NM_020166.5(MCCC1):c.874-239A>G

Gene: MCCC1 (methylcrotonyl-CoA carboxylase subunit 1; minus strand). Cytogenetic location: 3q27.1.
Variant type: single nucleotide variant.
Coding change: c.874-239A>G on transcript NM_020166.5 (MANE Select); 239 bases into the intron before coding-DNA position 874, A replaced by G.
Molecular consequence: intron variant.
Genome position (GRCh38, 1-based): chr3:183,052,479, T>C on the plus strand (A>G on the coding strand, the complement: MCCC1 is on the minus strand). VCF-style: chr3-183052479-T-C. GRCh37 (hg19) VCF-style: chr3-182770267-T-C.
Other names: c.547-239A>G (NM_001363880.1); c.523-239A>G (NM_001293273.2).
Identifiers: ClinVar variation 672388 (VCV000672388.1), dbSNP rs62293212, ClinGen allele CA11562413.